The following is an entry in ClinVar:

NM_000138.5(FBN1):c.6327del (p.Ile2110fs)

Gene: FBN1 (fibrillin 1; minus strand). Cytogenetic location: 15q21.1.
Variant type: Deletion.
Coding change: c.6327del on transcript NM_000138.5 (MANE Select); coding-DNA position 6327, one base deleted (G; older notation c.6327delG).
Protein change: p.Ile2110fs; shifts the reading frame from isoleucine 2110.
Molecular consequence: frameshift variant.
Genome position (GRCh38, 1-based): chr15:48,437,374, C deleted on the plus strand (G on the coding strand, the reverse complement: FBN1 is on the minus strand). VCF-style (leftmost placement, unchanged base first): chr15-48437373-TC-T. GRCh37 (hg19) VCF-style: chr15-48729570-TC-T.
Other names: c.6327delG (NM_000138.4); short protein forms I2110fs.
Identifiers: ClinVar variation 457243 (VCV000457243.6), dbSNP rs1555395228, ClinGen allele CA658656478.
Genomic context (GRCh38, chr15:48,437,373, plus strand): 5'-GCAACTGACCAACTGCTGAATCATCAGGTCCCACGATGATCCCACTTCCATAAGGACATA[TC>T]TGGCGGAAGGCCTCTGTGGTGGAGACACTCATTAATAGATAGAACAATAGCAATTCATTA-3'

ClinVar aggregate classification (germline): Pathogenic (1 of 4 stars; one submission).

Conditions:
Marfan syndrome (MFS). Also called: MARFAN SYNDROME, TYPE I; FBN1-Related Marfan Syndrome; Marfan syndrome type 1; Marfan's syndrome; Marfan syndrome, classic. Identifiers: Orphanet 284963, Orphanet 558, MedGen C0024796, MONDO:0007947, OMIM 154700.
Familial thoracic aortic aneurysm and aortic dissection (TAAD). Also called: Thoracic aortic aneurysms and dissections. Identifiers: Orphanet 91387, MedGen C4707243, MONDO:0019625.

Submission:

Labcorp Genetics (formerly Invitae), Labcorp
Classification: Pathogenic for Marfan syndrome; Familial thoracic aortic aneurysm and aortic dissection. Last evaluated: 2017-07-03. Review status: criteria provided, single submitter. Criteria: Invitae Variant Classification Sherloc (09022015). Collection method: clinical testing. Allele origin: germline.
Comment: For these reasons, this variant has been classified as Pathogenic. Loss-of-function variants in FBN1 are known to be pathogenic (PMID: 17657824, 19293843). This variant has not been reported in the literature in individuals with FBN1-related disease. This variant is not present in population databases (ExAC no frequency). This sequence change creates a premature translational stop signal (p.Ile2110Tyrfs*50) in the FBN1 gene. It is expected to result in an absent or disrupted protein product.

Literature cited by the submitters: PubMed 17657824; PubMed 19293843.